The following is an entry in ClinVar:

ClinVar aggregate classification (germline): Uncertain significance (1 of 4 stars; one submission).

Submission:

Ambry Genetics
Classification: Uncertain significance. Last evaluated: 2024-04-26. Review status: criteria provided, single submitter. Criteria: Ambry Variant Classification Scheme 2023. Collection method: clinical testing. Allele origin: germline.
Comment: The p.H791R variant (also known as c.2372A>G), located in coding exon 20 of the BUB1 gene, results from an A to G substitution at nucleotide position 2372. The histidine at codon 791 is replaced by arginine, an amino acid with highly similar properties. This amino acid position is conserved. In addition, this alteration is predicted to be tolerated by in silico analysis. Based on the available evidence, the clinical significance of this variant remains unclear.

NM_004336.5(BUB1):c.2372A>G (p.His791Arg)

Gene: BUB1 (BUB1 mitotic checkpoint serine/threonine kinase; minus strand). Cytogenetic location: 2q13.
Variant type: single nucleotide variant.
Coding change: c.2372A>G on transcript NM_004336.5 (MANE Select); coding-DNA position 2372, A replaced by G.
Protein change: p.His791Arg; replaces histidine 791 with arginine.
Molecular consequence: missense variant.
Genome position (GRCh38, 1-based): chr2:110,642,210, T>C on the plus strand (A>G on the coding strand, the complement: BUB1 is on the minus strand). VCF-style: chr2-110642210-T-C. GRCh37 (hg19) VCF-style: chr2-111399787-T-C.
Other names: c.2312A>G, p.His771Arg (NM_001278616.2); c.2372A>G, p.His791Arg (NM_001278617.2); short protein forms H791R, H771R.
Identifiers: ClinVar variation 3262148 (VCV003262148.1).